The following is an entry in ClinVar:

NM_213622.4(STAMBP):c.499G>A (p.Glu167Lys)

Gene: STAMBP (STAM binding protein; plus strand). Cytogenetic location: 2p13.1.
Variant type: single nucleotide variant.
Coding change: c.499G>A on transcript NM_213622.4 (MANE Select); coding-DNA position 499, G replaced by A.
Protein change: p.Glu167Lys; replaces glutamic acid 167 with lysine.
Molecular consequence: missense variant. On other transcripts: non-coding transcript variant (4).
Genome position (GRCh38, 1-based): chr2:73,847,510, G>A. VCF-style: chr2-73847510-G-A. GRCh37 (hg19) VCF-style: chr2-74074637-G-A.
Other names: c.499G>A, p.Glu167Lys (NM_001353967.2, NM_001353968.2, NM_001353969.2 and 3 more transcripts); c.94G>A, p.Glu32Lys (NM_001353971.2, NM_001353972.2, NM_001353973.2 and 3 more transcripts); short protein forms E167K, E32K.
Identifiers: ClinVar variation 160045 (VCV000160045.16), dbSNP rs140651555, ClinGen allele CA272652.

ClinVar aggregate classification (germline): Conflicting classifications of pathogenicity. Review status: criteria provided, conflicting classifications (1 of 4 stars). 3 submissions from 3 submitters: Uncertain significance (1); Likely benign (2). Last evaluated 2026-01-27.

Conditions:
STAMBP-related disorder. Also called: STAMBP-related condition.
Microcephaly-capillary malformation syndrome (MICCAP). Identifiers: Orphanet 294016, MedGen C3280296, MONDO:0013659, OMIM 614261.

Allele frequency attached by ClinVar (database versions not stated): gnomAD exomes 0.00015 and 0.00029; ExAC 0.00036; 1000 Genomes Project 0.00060; 1000 Genomes Project 30x 0.00062; gnomAD 0.00121 and 0.00130; TOPMed 0.00147; ESP Exome Variant Server 0.00185.
gnomAD v4.1: 405 of 1,614,182 alleles (0.025%); highest among the groups gnomAD compares: African/African-American, 0.45%; 1 homozygote.

Submissions (3):

Labcorp Genetics (formerly Invitae), Labcorp
Classification: Likely benign. Last evaluated: 2026-01-27. Review status: criteria provided, single submitter. Criteria: Invitae Variant Classification Sherloc (09022015). Collection method: clinical testing. Allele origin: germline.

PreventionGenetics, part of Exact Sciences
Classification: Likely benign for STAMBP-related condition. Last evaluated: 2025-08-16. Review status: criteria provided, single submitter. Criteria: ACMG Guidelines, 2015. Collection method: clinical testing. Allele origin: germline.
Comment: This variant is classified as likely benign based on ACMG/AMP sequence variant interpretation guidelines (Richards et al. 2015 PMID: 25741868, with internal and published modifications).

Genetic Services Laboratory, University of Chicago
Classification: Uncertain significance for Microcephaly-capillary malformation syndrome. Last evaluated: 2013-12-11. Review status: criteria provided, single submitter. Criteria: ACMG Guidelines, 2007. Collection method: clinical testing. Allele origin: germline. Inheritance: Autosomal recessive inheritance.